The following is an entry in ClinVar:

ClinVar aggregate classification (germline): Uncertain significance (1 of 4 stars; one submission).

Conditions:
Hereditary cancer-predisposing syndrome. Also called: Neoplastic Syndromes, Hereditary; Tumor predisposition; Hereditary neoplastic syndrome; Hereditary Cancer Syndrome. Identifiers: Orphanet 140162, MedGen C0027672, MeSH D009386, MONDO:0015356.
Cardiovascular phenotype. Identifiers: MedGen CN230736.

Submission:

Ambry Genetics
Classification: Uncertain significance for Cardiovascular phenotype; Hereditary cancer-predisposing syndrome. Last evaluated: 2019-06-26. Review status: criteria provided, single submitter. Criteria: Ambry Variant Classification Scheme 2023. Collection method: clinical testing. Allele origin: germline.
Comment: The p.I275V variant (also known as c.823A>G), located in coding exon 8 of the NF1 gene, results from an A to G substitution at nucleotide position 823. The isoleucine at codon 275 is replaced by valine, an amino acid with highly similar properties. This amino acid position is poorly conserved in available vertebrate species. In addition, this alteration is predicted to be tolerated by in silico analysis. Since supporting evidence is limited at this time, the clinical significance of this alteration remains unclear.

NM_001042492.3(NF1):c.823A>G (p.Ile275Val)

Gene: NF1 (neurofibromin 1; plus strand). Cytogenetic location: 17q11.2.
Variant type: single nucleotide variant.
Coding change: c.823A>G on transcript NM_001042492.3 (MANE Select); coding-DNA position 823, A replaced by G.
Protein change: p.Ile275Val; replaces isoleucine 275 with valine.
Molecular consequence: missense variant.
Genome position (GRCh38, 1-based): chr17:31,182,600, A>G. VCF-style: chr17-31182600-A-G. GRCh37 (hg19) VCF-style: chr17-29509618-A-G.
Other names: c.823A>G, p.Ile275Val (NM_000267.4, NM_001128147.3); short protein forms I275V.
Identifiers: ClinVar variation 827527 (VCV000827527.4), dbSNP rs786202464, ClinGen allele CA398990999.